The following is an entry in ClinVar:

NM_052854.4(CREB3L1):c.526G>A (p.Glu176Lys)

Gene: CREB3L1 (cAMP responsive element binding protein 3 like 1; plus strand). Cytogenetic location: 11p11.2.
Variant type: single nucleotide variant.
Coding change: c.526G>A on transcript NM_052854.4 (MANE Select); coding-DNA position 526, G replaced by A.
Protein change: p.Glu176Lys; replaces glutamic acid 176 with lysine.
Molecular consequence: missense variant.
Genome position (GRCh38, 1-based): chr11:46,309,998, G>A. VCF-style: chr11-46309998-G-A. GRCh37 (hg19) VCF-style: chr11-46331549-G-A.
Other names: short protein forms E176K.
Identifiers: ClinVar variation 2181904 (VCV002181904.4), dbSNP rs748646154, ClinGen allele CA5961617.

ClinVar aggregate classification (germline): Uncertain significance (1 of 4 stars; one submission).

Allele frequency attached by ClinVar (database versions not stated): gnomAD 0.00001; gnomAD exomes 0.00003; TOPMed 0.00003; ExAC 0.00008.
gnomAD v4.1: 18 of 1,601,256 alleles (0.0011%); highest among the groups gnomAD compares: Admixed American, 0.026%; no homozygotes.

Submission:

Labcorp Genetics (formerly Invitae), Labcorp
Classification: Uncertain significance. Last evaluated: 2022-01-12. Review status: criteria provided, single submitter. Criteria: Invitae Variant Classification Sherloc (09022015). Collection method: clinical testing. Allele origin: germline.
Comment: This variant is present in population databases (rs748646154, gnomAD 0.04%). In summary, the available evidence is currently insufficient to determine the role of this variant in disease. Therefore, it has been classified as a Variant of Uncertain Significance. Algorithms developed to predict the effect of missense changes on protein structure and function are either unavailable or do not agree on the potential impact of this missense change (SIFT: "Tolerated"; PolyPhen-2: "Possibly Damaging"; Align-GVGD: "Class C0"). This variant has not been reported in the literature in individuals affected with CREB3L1-related conditions. This sequence change replaces glutamic acid, which is acidic and polar, with lysine, which is basic and polar, at codon 176 of the CREB3L1 protein (p.Glu176Lys).